The following is an entry in ClinVar:

ClinVar aggregate classification (germline): Likely benign (1 of 4 stars; one submission).

Submission:

CeGaT Center for Human Genetics Tuebingen
Classification: Likely benign. Last evaluated: 2026-02-01. Review status: criteria provided, single submitter. Criteria: CeGaT Center For Human Genetics Tuebingen Variant Classification Criteria Version 2. Collection method: clinical testing. Allele origin: germline. Affected: yes. Observed: 1 variant allele.
Comment: PLIN4: BP4, BP7

NM_001367868.2(PLIN4):c.816T>C (p.Cys272=)

Gene: PLIN4 (perilipin 4; minus strand). Cytogenetic location: 19p13.3.
Variant type: single nucleotide variant.
Coding change: c.816T>C on transcript NM_001367868.2 (MANE Select); coding-DNA position 816, T replaced by C.
Protein change: p.Cys272=; no amino-acid change (cysteine 272 retained).
Molecular consequence: synonymous variant.
Genome position (GRCh38, 1-based): chr19:4,513,144, A>G on the plus strand (T>C on the coding strand, the complement: PLIN4 is on the minus strand). VCF-style: chr19-4513144-A-G. GRCh37 (hg19) VCF-style: chr19-4513156-A-G.
Other names: c.819T>C, p.Cys273= (NM_001393888.1, NM_001393889.1); c.816T>C, p.Cys272= (NM_001393890.1, NM_001393891.1).
Identifiers: ClinVar variation 4821347 (VCV004821347.4).